The following is an entry in ClinVar:

ClinVar aggregate classification (germline): Uncertain significance (1 of 4 stars; one submission).

Allele frequency attached by ClinVar (database versions not stated): gnomAD exomes below 0.00001.
gnomAD v4.1: 1 of 1,614,024 alleles (0.000062%); highest among the groups gnomAD compares: Non-Finnish European, 0.000085%; no homozygotes.

Submission:

GeneDx
Classification: Uncertain significance. Last evaluated: 2023-09-15. Review status: criteria provided, single submitter. Criteria: GeneDx Variant Classification Process June 2021. Collection method: clinical testing. Allele origin: germline. Affected: yes.
Comment: Not observed at significant frequency in large population cohorts (gnomAD); In silico analysis supports that this missense variant has a deleterious effect on protein structure/function; Has not been previously published as pathogenic or benign to our knowledge; This variant is associated with the following publications: (PMID: 27839871)

NM_001134407.3(GRIN2A):c.1283C>T (p.Thr428Met)

Gene: GRIN2A (glutamate ionotropic receptor NMDA type subunit 2A; minus strand). Cytogenetic location: 16p13.2.
Variant type: single nucleotide variant.
Coding change: c.1283C>T on transcript NM_001134407.3 (MANE Select); coding-DNA position 1283, C replaced by T.
Protein change: p.Thr428Met; replaces threonine 428 with methionine.
Molecular consequence: missense variant.
Genome position (GRCh38, 1-based): chr16:9,849,801, G>A on the plus strand (C>T on the coding strand, the complement: GRIN2A is on the minus strand). VCF-style: chr16-9849801-G-A. GRCh37 (hg19) VCF-style: chr16-9943658-G-A.
Other names: c.1283C>T, p.Thr428Met (NM_000833.5, NM_001134408.2); short protein forms T428M.
Identifiers: ClinVar variation 3252143 (VCV003252143.1), dbSNP rs2141369276.